The following is an entry in ClinVar:

NM_007118.4(TRIO):c.1072C>T (p.His358Tyr)

Gene: TRIO (trio Rho guanine nucleotide exchange factor; plus strand). Cytogenetic location: 5p15.2.
Variant type: single nucleotide variant.
Coding change: c.1072C>T on transcript NM_007118.4 (MANE Select); coding-DNA position 1072, C replaced by T.
Protein change: p.His358Tyr; replaces histidine 358 with tyrosine.
Molecular consequence: missense variant. On other transcripts: non-coding transcript variant (1).
Genome position (GRCh38, 1-based): chr5:14,293,030, C>T. VCF-style: chr5-14293030-C-T. GRCh37 (hg19) VCF-style: chr5-14293139-C-T.
Other names: short protein forms H358Y.
Identifiers: ClinVar variation 3343874 (VCV003343874.1).

ClinVar aggregate classification (germline): Uncertain significance (1 of 4 stars; one submission).

gnomAD v4.1: 1 of 1,614,150 alleles (0.000062%); highest among the groups gnomAD compares: Non-Finnish European, 0.000085%; no homozygotes.

Submission:

GeneDx
Classification: Uncertain significance. Last evaluated: 2023-05-15. Review status: criteria provided, single submitter. Criteria: GeneDx Variant Classification Process June 2021. Collection method: clinical testing. Allele origin: germline. Affected: yes.
Comment: Reported in an individual with a neurodevelopmental disorder; however, segregation and detailed clinical information were not provided (Stessman et al., 2017); Not observed at significant frequency in large population cohorts (gnomAD); In silico analysis supports that this missense variant has a deleterious effect on protein structure/function; This variant is associated with the following publications: (PMID: 33004838, 28191889)